The following is an entry in ClinVar:

NM_020975.6(RET):c.3288T>G (p.Tyr1096Ter)

Gene: RET (ret proto-oncogene; plus strand). Cytogenetic location: 10q11.21.
Variant type: single nucleotide variant.
Coding change: c.3288T>G on transcript NM_020975.6 (MANE Select); coding-DNA position 3288, T replaced by G.
Protein change: p.Tyr1096Ter; replaces tyrosine 1096 with a stop codon.
Molecular consequence: nonsense.
Genome position (GRCh38, 1-based): chr10:43,128,212, T>G. VCF-style: chr10-43128212-T-G. GRCh37 (hg19) VCF-style: chr10-43623660-T-G.
Other names: c.3288T>G (LRG_518t1); short protein forms Y1096*.
Identifiers: ClinVar variation 430252 (VCV000430252.3), dbSNP rs1131691861, ClinGen allele CA376559149.
Genomic context (GRCh38, chr10:43,128,212, plus strand): 5'-ACTCACGAGAGCTGATGGCACTAACACTGGGTTTCCAAGATATCCAAATGATAGTGTATA[T>G]GCTAACTGGATGCTTTCACCCTCAGCGGCAAAATTAATGGACACGTTTGATAGTTAACAT-3'

ClinVar aggregate classification (germline): Likely pathogenic (1 of 4 stars; one submission).

Submission:

GeneDx
Classification: Likely pathogenic. Last evaluated: 2019-12-02. Review status: criteria provided, single submitter. Criteria: GeneDx Variant Classification (06012015). Collection method: clinical testing. Allele origin: germline. Affected: yes.
Comment: Not observed in large population cohorts (Lek et al., 2016) Nonsense variant predicted to result in protein truncation, although loss-of-function variants have not been reported downstream of this position in the protein Has not been previously published as pathogenic or benign to our knowledge